The following is an entry in ClinVar:

NM_005559.4(LAMA1):c.6505G>A (p.Val2169Met)

Gene: LAMA1 (laminin subunit alpha 1; minus strand). Cytogenetic location: 18p11.31.
Variant type: single nucleotide variant.
Coding change: c.6505G>A on transcript NM_005559.4 (MANE Select); coding-DNA position 6505, G replaced by A.
Protein change: p.Val2169Met; replaces valine 2169 with methionine.
Molecular consequence: missense variant.
Genome position (GRCh38, 1-based): chr18:6,975,021, C>T on the plus strand (G>A on the coding strand, the complement: LAMA1 is on the minus strand). VCF-style: chr18-6975021-C-T. GRCh37 (hg19) VCF-style: chr18-6975020-C-T.
Other names: short protein forms V2169M.
Identifiers: ClinVar variation 2520536 (VCV002520536.6), dbSNP rs747747527, ClinGen allele CA8881201.

ClinVar aggregate classification (germline): Uncertain significance. Review status: criteria provided, multiple submitters, no conflicts (2 of 4 stars). 3 submissions from 3 submitters: Uncertain significance (3). Last evaluated 2024-11-07.

Conditions:
Inborn genetic diseases. Identifiers: MedGen C0950123, MeSH D030342.

Allele frequency attached by ClinVar (database versions not stated): ExAC 0.00003; gnomAD 0.00003; TOPMed 0.00003.
gnomAD v4.1: 36 of 1,613,850 alleles (0.0022%); highest among the groups gnomAD compares: Admixed American, 0.005%; no homozygotes.

Submissions (3):

Blueprint Genetics
Classification: Uncertain significance. Last evaluated: 2024-11-07. Review status: criteria provided, single submitter. Criteria: ACMG Guidelines, 2015. Collection method: clinical testing. Allele origin: germline.

Labcorp Genetics (formerly Invitae), Labcorp
Classification: Uncertain significance. Last evaluated: 2024-10-25. Review status: criteria provided, single submitter. Criteria: Invitae Variant Classification Sherloc (09022015). Collection method: clinical testing. Allele origin: germline.
Comment: This sequence change replaces valine, which is neutral and non-polar, with methionine, which is neutral and non-polar, at codon 2169 of the LAMA1 protein (p.Val2169Met). This variant is present in population databases (rs747747527, gnomAD 0.009%). This variant has not been reported in the literature in individuals affected with LAMA1-related conditions. ClinVar contains an entry for this variant (Variation ID: 2520536). Invitae Evidence Modeling of protein sequence and biophysical properties (such as structural, functional, and spatial information, amino acid conservation, physicochemical variation, residue mobility, and thermodynamic stability) indicates that this missense variant is not expected to disrupt LAMA1 protein function with a negative predictive value of 80%. In summary, the available evidence is currently insufficient to determine the role of this variant in disease. Therefore, it has been classified as a Variant of Uncertain Significance.

Ambry Genetics
Classification: Uncertain significance for Inborn genetic diseases. Last evaluated: 2023-03-27. Review status: criteria provided, single submitter. Criteria: Ambry Variant Classification Scheme 2023. Collection method: clinical testing. Allele origin: germline.